The following is an entry in ClinVar:

ClinVar aggregate classification (germline): Conflicting classifications of pathogenicity. Review status: criteria provided, conflicting classifications (1 of 4 stars). 3 submissions from 3 submitters: Uncertain significance (2); Likely benign (1). Last evaluated 2024-01-24.

Conditions:
Retinal dystrophy. Also called: Inherited retinal dystrophy. Identifiers: Orphanet 71862, MedGen C0854723, MeSH D058499, MONDO:0019118, HP:0000556.

Submissions (3):

Labcorp Genetics (formerly Invitae), Labcorp
Classification: Uncertain significance. Last evaluated: 2024-01-24. Review status: criteria provided, single submitter. Criteria: Invitae Variant Classification Sherloc (09022015). Collection method: clinical testing. Allele origin: germline.
Comment: This sequence change replaces alanine, which is neutral and non-polar, with threonine, which is neutral and polar, at codon 844 of the PCARE protein (p.Ala844Thr). This variant is present in population databases (rs370203821, gnomAD 0.1%). This missense change has been observed in individual(s) with inherited retinal and/or optic nerve disorders (PMID: 32483926). ClinVar contains an entry for this variant (Variation ID: 966603). Algorithms developed to predict the effect of missense changes on protein structure and function output the following: SIFT: "Not Available"; PolyPhen-2: "Benign"; Align-GVGD: "Not Available". The threonine amino acid residue is found in multiple mammalian species, which suggests that this missense change does not adversely affect protein function. In summary, the available evidence is currently insufficient to determine the role of this variant in disease. Therefore, it has been classified as a Variant of Uncertain Significance.

Dept Of Ophthalmology, Nagoya University
Classification: Likely benign for Retinal dystrophy. Last evaluated: 2023-10-01. Review status: criteria provided, single submitter. Criteria: Submitter's publication. Collection method: research. Allele origin: germline. Affected: yes.

Blueprint Genetics
Classification: Uncertain significance. Last evaluated: 2023-08-31. Review status: criteria provided, single submitter. Criteria: ACMG Guidelines, 2015. Collection method: clinical testing. Allele origin: germline.

Literature cited by the submitters: PubMed 32483926 (cited by Labcorp Genetics (formerly Invitae), Labcorp).

NM_001029883.3(PCARE):c.2530G>A (p.Ala844Thr)

Gene: PCARE (photoreceptor cilium actin regulator; minus strand). Cytogenetic location: 2p23.2.
Variant type: single nucleotide variant.
Coding change: c.2530G>A on transcript NM_001029883.3 (MANE Select); coding-DNA position 2530, G replaced by A.
Protein change: p.Ala844Thr; replaces alanine 844 with threonine.
Molecular consequence: missense variant.
Genome position (GRCh38, 1-based): chr2:29,071,732, C>T on the plus strand (G>A on the coding strand, the complement: PCARE is on the minus strand). VCF-style: chr2-29071732-C-T. GRCh37 (hg19) VCF-style: chr2-29294598-C-T.
Other names: short protein forms A844T.
Identifiers: ClinVar variation 966603 (VCV000966603.7), dbSNP rs370203821, ClinGen allele CA1592179.
Genomic context (GRCh38, chr2:29,071,732, plus strand): 5'-CCTGGGTTTCCTTGGGGGAGTTCTCTGTGGACTTGCTGCTTTCTGGGGACTCCAGAGAAG[C>T]GAATGATTTGTCCATCAGAACTTCCATAGGCGGTGGAGGGAGGTGCTCGAGGTTCCCCTC-3'
Protein context (NP_001025054.1, residues 834-854): PMEVLMDKSF[Ala844Thr]SLESPESSKS